The following is an entry in ClinVar:

ClinVar aggregate classification (germline): Uncertain significance. Review status: criteria provided, multiple submitters, no conflicts (2 of 4 stars). 2 submissions from 2 submitters: Uncertain significance (2). Last evaluated 2025-11-13.

Conditions:
Tuberous sclerosis syndrome (TSC). Also called: Tuberous Sclerosis Complex; Tuberous sclerosis. Identifiers: Orphanet 805, MedGen C0041341, MONDO:0001734.
Tuberous sclerosis 2 (TSC2). Identifiers: Orphanet 805, MedGen C1860707, MONDO:0013199, OMIM 613254.

gnomAD v4.1: 1 of 1,613,166 alleles (0.000062%); highest among the groups gnomAD compares: Non-Finnish European, 0.000085%; no homozygotes.

Submissions (2):

Labcorp Genetics (formerly Invitae), Labcorp
Classification: Uncertain significance for Tuberous sclerosis 2. Last evaluated: 2025-11-13. Review status: criteria provided, single submitter. Criteria: Invitae Variant Classification Sherloc (09022015). Collection method: clinical testing. Allele origin: germline.
Comment: This sequence change replaces threonine, which is neutral and polar, with proline, which is neutral and non-polar, at codon 927 of the TSC2 protein (p.Thr927Pro). This variant is not present in population databases (gnomAD no frequency). This variant has not been reported in the literature in individuals affected with TSC2-related conditions. ClinVar contains an entry for this variant (Variation ID: 934044). Invitae Evidence Modeling of protein sequence and biophysical properties (such as structural, functional, and spatial information, amino acid conservation, physicochemical variation, residue mobility, and thermodynamic stability) indicates that this missense variant is not expected to disrupt TSC2 protein function with a negative predictive value of 95%. In summary, the available evidence is currently insufficient to determine the role of this variant in disease. Therefore, it has been classified as a Variant of Uncertain Significance.

All of Us Research Program, National Institutes of Health
Classification: Uncertain significance for Tuberous sclerosis syndrome. Last evaluated: 2022-11-28. Review status: criteria provided, single submitter. Criteria: ACMG Guidelines, 2015. Collection method: clinical testing. Allele origin: germline. Inheritance: Autosomal dominant inheritance. Observed: 1 variant allele, 1 heterozygote.
Comment: This study involves interpretation of variants in research participants for the purpose of population health screening. Participant phenotype was not available at the time of variant classification. Additional details can be found in publication PMID: 35346344, PMCID: PMC8962531

NM_000548.5(TSC2):c.2779A>C (p.Thr927Pro)

Gene: TSC2 (TSC complex subunit 2; plus strand). Cytogenetic location: 16p13.3.
Variant type: single nucleotide variant.
Coding change: c.2779A>C on transcript NM_000548.5 (MANE Select); coding-DNA position 2779, A replaced by C.
Protein change: p.Thr927Pro; replaces threonine 927 with proline.
Molecular consequence: missense variant.
Genome position (GRCh38, 1-based): chr16:2,076,527, A>C. VCF-style: chr16-2076527-A-C. GRCh37 (hg19) VCF-style: chr16-2126528-A-C.
Other names: c.2779A>C, p.Thr927Pro (NM_001077183.3, NM_001114382.3, NM_001363528.2 and 3 more transcripts); c.2668A>C, p.Thr890Pro (NM_001318827.2); c.2632A>C, p.Thr878Pro (NM_001318829.2); c.2179A>C, p.Thr727Pro (NM_001318831.2); c.2812A>C, p.Thr938Pro (NM_001318832.2); short protein forms T727P, T878P, T927P, T938P, T890P.
Identifiers: ClinVar variation 934044 (VCV000934044.7), dbSNP rs1420034406, ClinGen allele CA394279927.